The following is an entry in ClinVar:

ClinVar aggregate classification (germline): Likely benign. Review status: criteria provided, multiple submitters, no conflicts (2 of 4 stars). 2 submissions from 2 submitters: Likely benign (2). Last evaluated 2024-09-11.

Conditions:
Charcot-Marie-Tooth disease type 4. Also called: Charcot-Marie-Tooth disease, type IV; Charcot-Marie-Tooth, Type 4. Identifiers: Orphanet 64749, MedGen C4082197, MONDO:0018995.

Allele frequency attached by ClinVar (database versions not stated): gnomAD exomes below 0.00001 and 0.00002; ExAC 0.00004; gnomAD 0.00006 and 0.00007; TOPMed 0.00008.

Submissions (2):

Labcorp Genetics (formerly Invitae), Labcorp
Classification: Likely benign for Charcot-Marie-Tooth disease type 4. Last evaluated: 2024-09-11. Review status: criteria provided, single submitter. Criteria: Invitae Variant Classification Sherloc (09022015). Collection method: clinical testing. Allele origin: germline.

GeneDx
Classification: Likely benign. Last evaluated: 2018-03-01. Review status: criteria provided, single submitter. Criteria: GeneDx Variant Classification (06012015). Collection method: clinical testing. Allele origin: germline. Affected: yes.
Comment: This variant is considered likely benign or benign based on one or more of the following criteria: it is a conservative change, it occurs at a poorly conserved position in the protein, it is predicted to be benign by multiple in silico algorithms, and/or has population frequency not consistent with disease.

NM_014845.6(FIG4):c.66+13dup

Gene: FIG4 (FIG4 phosphoinositide 5-phosphatase; plus strand). Cytogenetic location: 6q21.
Variant type: Duplication.
Coding change: c.66+13dup on transcript NM_014845.6 (MANE Select); 13 bases into the intron after coding-DNA position 66, one base duplicated (T; older notation c.66+13dupT).
Molecular consequence: intron variant.
Genome position (GRCh38, 1-based): chr6:109,691,514, T duplicated. VCF-style (leftmost placement, unchanged base first): chr6-109691513-C-CT. GRCh37 (hg19) VCF-style: chr6-110012716-C-CT.
Other names: c.66+13dupT (NM_014845.5).
Identifiers: ClinVar variation 515711 (VCV000515711.8), dbSNP rs755637236, ClinGen allele CA3955650.
Genomic context (GRCh38, chr6:109,691,513, plus strand): 5'-CCCCATCATCAGCTCGGTCCAGAAGCTGGTTCTGTATGAGACTAGAGCTGTGAGTACCCC[C>CT]TCGCGGCGGGGCGCAGGCGGGAGGATGGATGTCTGCCGGTGGGTGTGGGGCCGTAGGACA-3'